The following is an entry in ClinVar:

NM_020919.4(ALS2):c.1033G>A (p.Val345Ile)

Gene: ALS2 (alsin Rho guanine nucleotide exchange factor ALS2; minus strand). Cytogenetic location: 2q33.1.
Variant type: single nucleotide variant.
Coding change: c.1033G>A on transcript NM_020919.4 (MANE Select); coding-DNA position 1033, G replaced by A.
Protein change: p.Val345Ile; replaces valine 345 with isoleucine.
Molecular consequence: missense variant.
Genome position (GRCh38, 1-based): chr2:201,760,961, C>T on the plus strand (G>A on the coding strand, the complement: ALS2 is on the minus strand). VCF-style: chr2-201760961-C-T. GRCh37 (hg19) VCF-style: chr2-202625684-C-T.
Other names: c.1033G>A, p.Val345Ile (NM_001135745.2); short protein forms V345I.
Identifiers: ClinVar variation 451916 (VCV000451916.5), dbSNP rs768018989, ClinGen allele CA2058558.

ClinVar aggregate classification (germline): Uncertain significance. Review status: criteria provided, multiple submitters, no conflicts (2 of 4 stars). 2 submissions from 2 submitters: Uncertain significance (2). Last evaluated 2022-05-25.

Conditions:
Infantile-onset ascending hereditary spastic paralysis (IAHSP). Also called: Autosomal Recessive Juvenile Amyotrophic Lateral Sclerosis; Infantile-Onset Ascending Hereditary Spastic Paralysis (IAHSP). Identifiers: Orphanet 293168, MedGen C2931441, MONDO:0011797, OMIM 607225. Disease mechanism: loss of function.

Allele frequency attached by ClinVar (database versions not stated): gnomAD 0.00001; TOPMed 0.00001; ExAC 0.00002.
gnomAD v4.1: 7 of 1,614,076 alleles (0.00043%); highest among the groups gnomAD compares: Non-Finnish European, 0.00059%; no homozygotes.

Submissions (2):

Labcorp Genetics (formerly Invitae), Labcorp
Classification: Uncertain significance for Infantile-onset ascending hereditary spastic paralysis. Last evaluated: 2022-05-25. Review status: criteria provided, single submitter. Criteria: Invitae Variant Classification Sherloc (09022015). Collection method: clinical testing. Allele origin: germline.
Comment: ClinVar contains an entry for this variant (Variation ID: 451916). Algorithms developed to predict the effect of missense changes on protein structure and function (SIFT, PolyPhen-2, Align-GVGD) all suggest that this variant is likely to be tolerated. In summary, the available evidence is currently insufficient to determine the role of this variant in disease. Therefore, it has been classified as a Variant of Uncertain Significance. This variant has not been reported in the literature in individuals affected with ALS2-related conditions. This sequence change replaces valine, which is neutral and non-polar, with isoleucine, which is neutral and non-polar, at codon 345 of the ALS2 protein (p.Val345Ile). This variant is present in population databases (rs768018989, gnomAD 0.002%).

GeneDx
Classification: Uncertain significance. Last evaluated: 2017-09-13. Review status: criteria provided, single submitter. Criteria: GeneDx Variant Classification (06012015). Collection method: clinical testing. Allele origin: germline. Affected: yes.
Comment: A variant of uncertain significance has been identified in the ALS2 gene. The V345I variant has not been published as a pathogenic variant, nor has it been reported as a benign variant to our knowledge. The V345I variant is not observed at a significant frequency in large population cohorts (Lek et al., 2016; 1000 Genomes Consortium et al., 2015; Exome Variant Server). The V345I variant is a conservative amino acid substitution, which is not likely to impact secondary protein structure as these residues share similar properties. Additionally, this substitution occurs at a position that is not conserved. In silico analysis is inconsistent in its predictions as to whether or not the variant is damaging to the protein structure/function. Therefore, based on the currently available information, it is unclear whether this variant is a pathogenic variant or a rare benign variant.